The following is an entry in ClinVar:

ClinVar aggregate classification (germline): Uncertain significance (1 of 4 stars; one submission).

Conditions:
Hereditary cancer-predisposing syndrome. Also called: Hereditary Cancer Syndrome; Hereditary neoplastic syndrome; Tumor predisposition; Neoplastic Syndromes, Hereditary. Identifiers: Orphanet 140162, MedGen C0027672, MeSH D009386, MONDO:0015356.

Submission:

Ambry Genetics
Classification: Uncertain significance for Hereditary cancer-predisposing syndrome. Last evaluated: 2020-03-25. Review status: criteria provided, single submitter. Criteria: Ambry Variant Classification Scheme 2023. Collection method: clinical testing. Allele origin: germline.
Comment: The p.R789M variant (also known as c.2366G>T), located in coding exon 14 of the DICER1 gene, results from a G to T substitution at nucleotide position 2366. The arginine at codon 789 is replaced by methionine, an amino acid with similar properties. This amino acid position is highly conserved in available vertebrate species. In addition, the in silico prediction for this alteration is inconclusive. Since supporting evidence is limited at this time, the clinical significance of this alteration remains unclear.

NM_177438.3(DICER1):c.2366G>T (p.Arg789Met)

Gene: DICER1 (dicer 1, ribonuclease III; minus strand). Cytogenetic location: 14q32.13.
Variant type: single nucleotide variant.
Coding change: c.2366G>T on transcript NM_177438.3 (MANE Select); coding-DNA position 2366, G replaced by T.
Protein change: p.Arg789Met; replaces arginine 789 with methionine.
Molecular consequence: missense variant. On other transcripts: non-coding transcript variant (6).
Genome position (GRCh38, 1-based): chr14:95,108,394, C>A on the plus strand (G>T on the coding strand, the complement: DICER1 is on the minus strand). VCF-style: chr14-95108394-C-A. GRCh37 (hg19) VCF-style: chr14-95574731-C-A.
Other names: c.2366G>T, p.Arg789Met (NM_001195573.1, NM_001271282.3, NM_001291628.2 and 13 more transcripts); c.2084G>T, p.Arg695Met (NM_001395686.1); c.1961G>T, p.Arg654Met (NM_001395687.1, NM_001395688.1, NM_001395689.1 and 2 more transcripts); c.1799G>T, p.Arg600Met (NM_001395691.1); c.683G>T, p.Arg228Met (NM_001395697.1); short protein forms R695M, R228M, R600M, R789M, R654M.
Identifiers: ClinVar variation 1790220 (VCV001790220.2), dbSNP rs1566777906, ClinGen allele CA390882195.
Genomic context (GRCh38, chr14:95,108,394, plus strand): 5'-GGTTTGGCCGTCAGTATTCCAAAGCATCTTGTGGTATCTTCAGGAGGATAGAGCTTCCGC[C>A]TTCTAAAGTTGAGTTCATCAGGTAAAGGTGTAGTTAAAACCATTCCTATCACATACAGGT-3'
Protein context (NP_803187.1, residues 779-799): TPLPDELNFR[Arg789Met]RKLYPPEDTT